The following is an entry in ClinVar:

NM_006846.4(SPINK5):c.1144A>T (p.Thr382Ser)

Gene: SPINK5 (serine peptidase inhibitor Kazal type 5; plus strand). Cytogenetic location: 5q32.
Variant type: single nucleotide variant.
Coding change: c.1144A>T on transcript NM_006846.4 (MANE Select); coding-DNA position 1144, A replaced by T.
Protein change: p.Thr382Ser; replaces threonine 382 with serine.
Molecular consequence: missense variant.
Genome position (GRCh38, 1-based): chr5:148,100,505, A>T. VCF-style: chr5-148100505-A-T. GRCh37 (hg19) VCF-style: chr5-147480068-A-T.
Other names: c.1144A>T, p.Thr382Ser (NM_001127698.2, NM_001127699.2); short protein forms T382S.
Identifiers: ClinVar variation 529161 (VCV000529161.8), dbSNP rs770766012, ClinGen allele CA361636245.

ClinVar aggregate classification (germline): Uncertain significance (1 of 4 stars; one submission).

Conditions:
Ichthyosis linearis circumflexa. Identifiers: MedGen C0265962, MONDO:0043106, HP:0025810.

Submission:

Labcorp Genetics (formerly Invitae), Labcorp
Classification: Uncertain significance for Ichthyosis linearis circumflexa. Last evaluated: 2024-10-16. Review status: criteria provided, single submitter. Criteria: Invitae Variant Classification Sherloc (09022015). Collection method: clinical testing. Allele origin: germline.
Comment: This sequence change replaces threonine, which is neutral and polar, with serine, which is neutral and polar, at codon 382 of the SPINK5 protein (p.Thr382Ser). This variant is not present in population databases (gnomAD no frequency). This variant has not been reported in the literature in individuals affected with SPINK5-related conditions. ClinVar contains an entry for this variant (Variation ID: 529161). Invitae Evidence Modeling of protein sequence and biophysical properties (such as structural, functional, and spatial information, amino acid conservation, physicochemical variation, residue mobility, and thermodynamic stability) indicates that this missense variant is not expected to disrupt SPINK5 protein function with a negative predictive value of 80%. In summary, the available evidence is currently insufficient to determine the role of this variant in disease. Therefore, it has been classified as a Variant of Uncertain Significance.